The following is an entry in ClinVar:

NM_000092.5(COL4A4):c.2230C>T (p.Pro744Ser)

Gene: COL4A4 (collagen type IV alpha 4 chain; minus strand). Cytogenetic location: 2q36.3.
Variant type: single nucleotide variant.
Coding change: c.2230C>T on transcript NM_000092.5 (MANE Select); coding-DNA position 2230, C replaced by T.
Protein change: p.Pro744Ser; replaces proline 744 with serine.
Molecular consequence: missense variant.
Genome position (GRCh38, 1-based): chr2:227,059,558, G>A on the plus strand (C>T on the coding strand, the complement: COL4A4 is on the minus strand). VCF-style: chr2-227059558-G-A. GRCh37 (hg19) VCF-style: chr2-227924274-G-A.
Other names: short protein forms P744S.
Identifiers: ClinVar variation 4960272 (VCV004960272.2).

ClinVar aggregate classification (germline): Uncertain significance. Review status: criteria provided, multiple submitters, no conflicts (2 of 4 stars). 2 submissions from 2 submitters: Uncertain significance (2). Last evaluated 2025-04-29.

Conditions:
COL4A4-related disorder.

gnomAD v4.1: 6 of 1,614,046 alleles (0.00037%); highest among the groups gnomAD compares: Non-Finnish European, 0.00051%; no homozygotes.

Submissions (2):

PreventionGenetics, part of Exact Sciences
Classification: Uncertain significance for COL4A4-related condition. Last evaluated: 2025-04-29. Review status: criteria provided, single submitter. Criteria: ACMG Guidelines, 2015. Collection method: clinical testing. Allele origin: germline.
Comment: The COL4A4 c.2230C>T variant is predicted to result in the amino acid substitution p.Pro744Ser. To our knowledge, this variant has not been reported in the literature. This variant is reported in 0.011% of alleles in individuals of African descent in gnomAD. At this time, the clinical significance of this variant is uncertain due to the absence of conclusive functional and genetic evidence.

Blueprint Genetics
Classification: Uncertain significance. Last evaluated: 2024-06-05. Review status: criteria provided, single submitter. Criteria: ACMG Guidelines, 2015. Collection method: clinical testing. Allele origin: germline.